The following is an entry in ClinVar:

ClinVar aggregate classification (germline): Uncertain significance (1 of 4 stars; one submission).

Conditions:
Hereditary cancer-predisposing syndrome. Also called: Neoplastic Syndromes, Hereditary; Tumor predisposition; Hereditary neoplastic syndrome; Hereditary Cancer Syndrome. Identifiers: Orphanet 140162, MedGen C0027672, MeSH D009386, MONDO:0015356.

Submission:

Ambry Genetics
Classification: Uncertain significance for Hereditary cancer-predisposing syndrome. Last evaluated: 2023-12-14. Review status: criteria provided, single submitter. Criteria: Ambry Variant Classification Scheme 2023. Collection method: clinical testing. Allele origin: germline.
Comment: The p.L1033P variant (also known as c.3098T>C), located in coding exon 19 of the RET gene, results from a T to C substitution at nucleotide position 3098. The leucine at codon 1033 is replaced by proline, an amino acid with similar properties. This amino acid position is conserved. In addition, the in silico prediction for this alteration is inconclusive. Since supporting evidence is limited at this time, the clinical significance of this alteration remains unclear.

NM_020975.6(RET):c.3098T>C (p.Leu1033Pro)

Gene: RET (ret proto-oncogene; plus strand). Cytogenetic location: 10q11.21.
Variant type: single nucleotide variant.
Coding change: c.3098T>C on transcript NM_020975.6 (MANE Select); coding-DNA position 3098, T replaced by C.
Protein change: p.Leu1033Pro; replaces leucine 1033 with proline.
Molecular consequence: missense variant.
Genome position (GRCh38, 1-based): chr10:43,126,633, T>C. VCF-style: chr10-43126633-T-C. GRCh37 (hg19) VCF-style: chr10-43622081-T-C.
Other names: c.3098T>C, p.Leu1033Pro (NM_000323.2, NM_001406743.1, NM_001406744.1 and 4 more transcripts); c.2336T>C, p.Leu779Pro (NM_001355216.2); c.2969T>C, p.Leu990Pro (NM_001406761.1, NM_001406762.1, NM_001406764.1); c.2963T>C, p.Leu988Pro (NM_001406763.1, NM_001406765.1); c.2810T>C, p.Leu937Pro (NM_001406766.1, NM_001406767.1, NM_001406770.1); c.2834T>C, p.Leu945Pro (NM_001406768.1); c.2702T>C, p.Leu901Pro (NM_001406769.1, NM_001406772.1); c.2660T>C, p.Leu887Pro (NM_001406771.1, NM_001406773.1); and 10 more; short protein forms L1033P, L550P, L598P, L638P, L689P, L691P, L694P, L703P.
Identifiers: ClinVar variation 3227550 (VCV003227550.1), dbSNP rs2133034678, ClinGen allele CA376558388.
Genomic context (GRCh38, chr10:43,126,633, plus strand): 5'-AGGACTACTTGGACCTTGCGGCGTCCACTCCATCTGACTCCCTGATTTATGACGACGGCC[T>C]CTCAGAGGAGGAGACACCGCTGGTGGACTGTAATAATGCCCCCCTCCCTCGAGCCCTCCC-3'
Protein context (NP_066124.1, residues 1023-1043): PSDSLIYDDG[Leu1033Pro]SEEETPLVDC